The following is an entry in ClinVar:

NM_003742.4(ABCB11):c.2144_2145del (p.Val715fs)

Gene: ABCB11 (ATP binding cassette subfamily B member 11; minus strand). Cytogenetic location: 2q31.1.
Variant type: Deletion.
Coding change: c.2144_2145del on transcript NM_003742.4 (MANE Select); coding-DNA positions 2144 to 2145, 2 bases deleted (TA; older notation c.2144_2145delTA).
Protein change: p.Val715fs; shifts the reading frame from valine 715.
Molecular consequence: frameshift variant.
Genome position (GRCh38, 1-based): chr2:168,964,239-168,964,240, TA deleted on the plus strand (TA on the coding strand, the reverse complement: ABCB11 is on the minus strand). VCF-style (leftmost placement, unchanged base first): chr2-168964238-CTA-C. GRCh37 (hg19) VCF-style: chr2-169820748-CTA-C.
Other names: short protein forms V715fs.
Identifiers: ClinVar variation 4846213 (VCV004846213.1).

ClinVar aggregate classification (germline): Pathogenic (1 of 4 stars; one submission).

Conditions:
Familial intrahepatic cholestasis. Identifiers: Orphanet 284385, MedGen CN296401, MONDO:0017290.

Submission:

Genomenon, Inc
Classification: Pathogenic for Familial intrahepatic cholestasis. Last evaluated: 2026-04-14. Review status: criteria provided, single submitter. Criteria: Genomenon Sequence Variant Interpretation Standards - Updated. Collection method: curation. Allele origin: germline. Affected: yes.
Comment: ABCB11 p.Val715GlyfsTer3 (c.2144_2145del) is a frameshift variant that results in the production of a truncated protein which is predicted to undergo nonsense-mediated mRNA decay. This variant has been observed in at least one proband with an ABCB11-related disorder (PMID:39143102). It is absent or not present at a significant frequency in gnomAD. In conclusion, we classify ABCB11 p.Val715GlyfsTer3 (c.2144_2145del) as a pathogenic variant.

Literature cited by the submitters: PubMed 39143102.